The following is an entry in ClinVar:

ClinVar aggregate classification (germline): Uncertain significance. Review status: criteria provided, multiple submitters, no conflicts (2 of 4 stars). 3 submissions from 3 submitters: Uncertain significance (3). Last evaluated 2025-12-10.

Conditions:
Cardiovascular phenotype. Identifiers: MedGen CN230736.
Progressive familial heart block type IB (PFHB1B). Identifiers: Orphanet 871, MedGen C1970298, MONDO:0011474, OMIM 604559.
TRPM4-related disorder. Also called: TRPM4-related condition; TRPM4-related disorders. Identifiers: MedGen CN239424.

Allele frequency attached by ClinVar (database versions not stated): gnomAD 0.00001; TOPMed 0.00002.

Submissions (3):

Labcorp Genetics (formerly Invitae), Labcorp
Classification: Uncertain significance for Progressive familial heart block type IB. Last evaluated: 2025-12-10. Review status: criteria provided, single submitter. Criteria: Invitae Variant Classification Sherloc (09022015). Collection method: clinical testing. Allele origin: germline.
Comment: This sequence change replaces glycine, which is neutral and non-polar, with arginine, which is basic and polar, at codon 848 of the TRPM4 protein (p.Gly848Arg). This variant is not present in population databases (gnomAD no frequency). This variant has not been reported in the literature in individuals affected with TRPM4-related conditions. ClinVar contains an entry for this variant (Variation ID: 2625633). An algorithm developed to predict the effect of missense changes on protein structure and function (PolyPhen-2) suggests that this variant is likely to be tolerated. In summary, the available evidence is currently insufficient to determine the role of this variant in disease. Therefore, it has been classified as a Variant of Uncertain Significance.

Ambry Genetics
Classification: Uncertain significance for Cardiovascular phenotype. Last evaluated: 2023-09-20. Review status: criteria provided, single submitter. Criteria: Ambry Variant Classification Scheme 2023. Collection method: clinical testing. Allele origin: germline.
Comment: The p.G848R variant (also known as c.2542G>C), located in coding exon 17 of the TRPM4 gene, results from a G to C substitution at nucleotide position 2542. The glycine at codon 848 is replaced by arginine, an amino acid with dissimilar properties. This amino acid position is conserved. In addition, this alteration is predicted to be tolerated by in silico analysis. Since supporting evidence is limited at this time, the clinical significance of this alteration remains unclear.

PreventionGenetics, part of Exact Sciences
Classification: Uncertain significance for TRPM4-related condition. Last evaluated: 2023-05-01. Review status: criteria provided, single submitter. Criteria: ACMG Guidelines, 2015. Collection method: clinical testing. Allele origin: germline.
Comment: The TRPM4 c.2542G>C variant is predicted to result in the amino acid substitution p.Gly848Arg. To our knowledge, this variant has not been reported in the literature or in a large population database, indicating this variant is rare. At this time, the clinical significance of this variant is uncertain due to the absence of conclusive functional and genetic evidence.

NM_017636.4(TRPM4):c.2542G>C (p.Gly848Arg)

Gene: TRPM4 (transient receptor potential cation channel subfamily M member 4; plus strand). Cytogenetic location: 19q13.33.
Variant type: single nucleotide variant.
Coding change: c.2542G>C on transcript NM_017636.4 (MANE Select); coding-DNA position 2542, G replaced by C.
Protein change: p.Gly848Arg; replaces glycine 848 with arginine.
Molecular consequence: missense variant. On other transcripts: intron variant (1).
Genome position (GRCh38, 1-based): chr19:49,196,771, G>C. VCF-style: chr19-49196771-G-C. GRCh37 (hg19) VCF-style: chr19-49700028-G-C.
Other names: c.2197G>C, p.Gly733Arg (NM_001321281.2); c.934G>C, p.Gly312Arg (NM_001321282.2); c.2020G>C, p.Gly674Arg (NM_001321283.2); c.1480G>C, p.Gly494Arg (NM_001321285.2); c.2211-3529G>C (NM_001195227.2); short protein forms G733R, G674R, G312R, G848R, G494R.
Identifiers: ClinVar variation 2625633 (VCV002625633.4), dbSNP rs747373091, ClinGen allele CA9569571.